The following is an entry in ClinVar:

NM_006019.4(TCIRG1):c.1013_1020dup (p.Met341fs)

Gene: TCIRG1 (T cell immune regulator 1, ATPase H+ transporting V0 subunit a3; plus strand). Cytogenetic location: 11q13.2.
Variant type: Duplication.
Coding change: c.1013_1020dup on transcript NM_006019.4 (MANE Select); coding-DNA positions 1013 to 1020, 8 bases duplicated (ACAGCTCG; older notation c.1013_1020dupACAGCTCG).
Protein change: p.Met341fs; shifts the reading frame from methionine 341.
Molecular consequence: frameshift variant. On other transcripts: intron variant (4).
Genome position (GRCh38, 1-based): chr11:68,044,337-68,044,344, ACAGCTCG duplicated; duplicating any 8 consecutive bases within chr11:68,044,336-68,044,344 gives the same sequence; the c. name uses the placement nearest the transcript's 3' end. VCF-style (leftmost placement, unchanged base first): chr11-68044335-G-GGACAGCTC. GRCh37 (hg19) VCF-style: chr11-67811802-G-GGACAGCTC.
Other names: c.119_126dup, p.Met43fs (NM_001351059.2); c.1013_1020dup, p.Met341fs (NM_001440552.1, NM_001440553.1, NM_001440554.1 and 2 more transcripts); c.971_978dup, p.Met327fs (NM_001440555.1, NM_001440556.1, NM_001440563.1); c.800_807dup, p.Met270fs (NM_001440561.1, NM_001440562.1, NM_001440566.1 and 1 more transcripts); c.758_765dup, p.Met256fs (NM_001440564.1); c.713_720dup, p.Met241fs (NM_001440565.1); c.365_372dup, p.Met125fs (NM_006053.4); c.807+430_807+437dup (NM_001440559.1, NM_001440560.1); and 2 more; short protein forms M341fs, M43fs, M256fs, M270fs, M125fs, M241fs, M327fs.
Identifiers: ClinVar variation 5004184 (VCV005004184.1).

ClinVar aggregate classification (germline): Pathogenic (1 of 4 stars; one submission).

Conditions:
Autosomal recessive osteopetrosis 1. Also called: TCIRG1-Related Osteopetrosis; ALBERS-SCHONBERG DISEASE, AUTOSOMAL RECESSIVE; TCIRG1-Related Autosomal Recessive Osteopetrosis. Identifiers: Orphanet 667, MedGen C1850127, MONDO:0009815, OMIM 259700.

Submission:

Myriad Genetics, Inc.
Classification: Pathogenic for Autosomal recessive osteopetrosis 1. Last evaluated: 2025-09-24. Review status: criteria provided, single submitter. Criteria: Myriad Autosomal Dominant, Autosomal Recessive and X-Linked Classification Criteria (2023). Collection method: clinical testing. Allele origin: unknown.
Comment: NM_006019.3(TCIRG1):c.1013_1020dup8(M341Tfs*8) is a frameshift variant classified as pathogenic in the context of autosomal recessive osteopetrosis type 1. M341Tfs*8 has not been observed in cases with relevant disease. Relevant functional assessments of this variant are not available in the literature. M341Tfs*8 has not been observed in referenced population frequency databases. In summary, NM_006019.3(TCIRG1):c.1013_1020dup8(M341Tfs*8) is a frameshift variant in a gene where loss of function is a known mechanism of disease and is predicted to disrupt protein function. Please note: this variant was assessed in the context of healthy population screening.